The following is an entry in ClinVar:

NM_001148.6(ANK2):c.10901T>A (p.Val3634Asp)

Gene: ANK2 (ankyrin 2; plus strand). Cytogenetic location: 4q26.
Variant type: single nucleotide variant.
Coding change: c.10901T>A on transcript NM_001148.6 (MANE Select); coding-DNA position 10901, T replaced by A.
Protein change: p.Val3634Asp; replaces valine 3634 with aspartic acid.
Molecular consequence: missense variant.
Genome position (GRCh38, 1-based): chr4:113,365,051, T>A. VCF-style: chr4-113365051-T-A. GRCh37 (hg19) VCF-style: chr4-114286207-T-A.
Other names: p.Val1549Asp; c.10901T>A (LRG_327t1); c.4619T>A, p.Val1540Asp (NM_001127493.3); c.4658T>A, p.Val1553Asp (NM_001354225.2); c.4547T>A, p.Val1516Asp (NM_001354228.2, NM_001354258.2); c.4625T>A, p.Val1542Asp (NM_001354230.2); c.4688T>A, p.Val1563Asp (NM_001354231.2, NM_001354242.2); c.4682T>A, p.Val1561Asp (NM_001354232.2); and 38 more; short protein forms V1540D, V3634D, V1421D, V1449D, V1502D, V1516D, V1528D, V1532D.
Identifiers: ClinVar variation 67599 (VCV000067599.53), dbSNP rs66785829, ClinGen allele CA145025.

ClinVar aggregate classification (germline): Conflicting classifications of pathogenicity. Review status: criteria provided, conflicting classifications (1 of 4 stars). 13 submissions from 13 submitters: Uncertain significance (1); Benign (2); Likely benign (8). 2 of the submissions do not count toward it. Last evaluated 2026-07-01.

Conditions:
Familial dilated cardiomyopathy and peripheral neuropathy.
ANK2-related disorder. Also called: ANK2-related condition.
Cardiovascular phenotype. Identifiers: MedGen CN230736.
Cardiac arrhythmia. Also called: Cardiac rhythm disease; Arrhythmia. Identifiers: MedGen C0003811, MONDO:0007263, HP:0011675.
Long QT syndrome (LQTS). Identifiers: MedGen C0023976, MeSH D008133, MONDO:0002442. Disease mechanism: loss of function. Inheritance: Various modes of inheritance.
Cardiac arrhythmia, ankyrin-B-related. Also called: ANKYRIN-B SYNDROME. Identifiers: Orphanet 101016, Orphanet 768, MedGen C1970119, MONDO:0010958, OMIM 600919.

Allele frequency attached by ClinVar (database versions not stated): 1000 Genomes Project 0.00200; gnomAD 0.00200; 1000 Genomes Project 30x 0.00219; ESP Exome Variant Server 0.00238; ExAC 0.00274; TOPMed 0.00197.
gnomAD v4.1: 3,371 of 1,613,852 alleles (0.21%); highest among the groups gnomAD compares: Middle Eastern, 2.3%; 23 homozygotes.

Submissions (13):

CeGaT Center for Human Genetics Tuebingen
Classification: Likely benign. Last evaluated: 2026-07-01. Review status: criteria provided, single submitter. Criteria: CeGaT Center For Human Genetics Tuebingen Variant Classification Criteria Version 2. Collection method: clinical testing. Allele origin: germline. Affected: yes. Observed: 26 variant alleles.
Comment: ANK2: PM5, BP4, BS2

Labcorp Genetics (formerly Invitae), Labcorp
Classification: Likely benign for Long QT syndrome. Last evaluated: 2026-02-04. Review status: criteria provided, single submitter. Criteria: Invitae Variant Classification Sherloc (09022015). Collection method: clinical testing. Allele origin: germline.

Mayo Clinic Laboratories, Mayo Clinic
Classification: Benign. Last evaluated: 2025-09-16. Review status: criteria provided, single submitter. Criteria: ACMG Guidelines, 2015. Collection method: clinical testing. Allele origin: germline. Observed: 8 variant alleles.
Comment: BS1, BS2

Molecular Diagnostic Laboratory for Inherited Cardiovascular Disease, Montreal Heart Institute
Classification: Likely benign. Last evaluated: 2025-04-08. Review status: criteria provided, single submitter. Criteria: ACMG Guidelines, 2015. Collection method: clinical testing. Allele origin: germline. Affected: no.
Comment: BS1;BS2;BP4

Blueprint Genetics
Classification: Likely benign. Last evaluated: 2024-11-26. Review status: criteria provided, single submitter. Criteria: ACMG Guidelines, 2015. Collection method: clinical testing. Allele origin: germline.

GeneDx
Classification: Likely benign. Last evaluated: 2021-01-22. Review status: criteria provided, single submitter. Criteria: GeneDx Variant Classification Process June 2021. Collection method: clinical testing. Allele origin: germline. Affected: yes.
Comment: In silico analysis supports that this missense variant has a deleterious effect on protein structure/function; This variant is associated with the following publications: (PMID: 31920912, 32164423, 24025405, 17242276, 27884173, 23631430, 23174487)

Center for Advanced Laboratory Medicine, UC San Diego Health, University of California San Diego
Classification: Benign for Familial dilated cardiomyopathy and peripheral neuropathy. Last evaluated: 2019-06-03. Review status: criteria provided, single submitter. Criteria: ACMG Guidelines, 2015. Collection method: clinical testing. Allele origin: germline. Affected: yes. Observed: 1 variant allele.

Ambry Genetics
Classification: Likely benign for Cardiovascular phenotype. Last evaluated: 2018-12-14. Review status: criteria provided, single submitter. Criteria: Ambry Variant Classification Scheme 2023. Collection method: clinical testing. Allele origin: germline.

Illumina Laboratory Services, Illumina
Classification: Uncertain significance for Cardiac arrhythmia, ankyrin-B-related. Last evaluated: 2017-04-27. Review status: criteria provided, single submitter. Criteria: ICSL Variant Classification Criteria 13 December 2019. Collection method: clinical testing. Allele origin: germline.

Women's Health and Genetics/Laboratory Corporation of America, LabCorp
Classification: Likely benign. Last evaluated: 2017-03-27. Review status: criteria provided, single submitter. Criteria: LabCorp Variant Classification Summary - May 2015. Collection method: clinical testing. Allele origin: germline.

Biesecker Lab/Clinical Genomics Section, National Institutes of Health
Classification: Likely benign for Cardiac arrhythmia. Last evaluated: 2013-06-24. Review status: criteria provided, single submitter. Criteria: Ng et al. (Circ Cardiovasc Genet. 2013). Collection method: research. Allele origin: unknown. Observed: 5 variant alleles. Study: ClinSeq.
Comment: The study set was not selected for affection status in relation to any cancer. Pathogenicity categories were based on literature curation. See Pubmed ID:23861362 for details.

Medical sequencing

PreventionGenetics, part of Exact Sciences
Classification: Likely benign for ANK2-related condition. Last evaluated: 2019-05-30. Review status: no assertion criteria provided. Collection method: clinical testing. Allele origin: germline. Not counted in ClinVar's aggregate classification.
Comment: This variant is classified as likely benign based on ACMG/AMP sequence variant interpretation guidelines (Richards et al. 2015 PMID: 25741868, with internal and published modifications).

Cardiovascular Biomedical Research Unit, Royal Brompton & Harefield NHS Foundation Trust
No classification provided. Condition: Cardiac arrhythmia. Review status: no classification provided. Collection method: literature only. Allele origin: germline. Not counted in ClinVar's aggregate classification.
Comment: This variant has been reported as associated with Cardiac arrhythmia in the following publications (PMID:17242276). This is a literature report, and does not necessarily reflect the clinical interpretation of the Imperial College / Royal Brompton Cardiovascular Genetics laboratory.

Literature cited by the submitters: PubMed 17242276 (cited by 3 submitters); PubMed 23396983 (cited by Women's Health and Genetics/Laboratory Corporation of America, LabCorp); PubMed 17940615 (cited by Women's Health and Genetics/Laboratory Corporation of America, LabCorp); PubMed 16650839 (cited by Women's Health and Genetics/Laboratory Corporation of America, LabCorp); PubMed 22411828 (cited by Women's Health and Genetics/Laboratory Corporation of America, LabCorp); PubMed 16253912 (cited by Women's Health and Genetics/Laboratory Corporation of America, LabCorp); PubMed 26159999 (cited by Women's Health and Genetics/Laboratory Corporation of America, LabCorp); PubMed 23631430 (cited by Women's Health and Genetics/Laboratory Corporation of America, LabCorp); PubMed 17928548 (cited by Women's Health and Genetics/Laboratory Corporation of America, LabCorp); PubMed 19394342 (cited by Women's Health and Genetics/Laboratory Corporation of America, LabCorp); PubMed 23174487 (cited by Women's Health and Genetics/Laboratory Corporation of America, LabCorp); PubMed 24025405 (cited by Women's Health and Genetics/Laboratory Corporation of America, LabCorp); PubMed 22581653 (cited by Cardiovascular Biomedical Research Unit, Royal Brompton & Harefield NHS Foundation Trust).